The following is an entry in ClinVar:

NM_021930.6(RINT1):c.2168C>G (p.Pro723Arg)

Genes: EFCAB10 (EF-hand calcium binding domain 10; minus strand), RINT1 (RAD50 interactor 1; plus strand). Cytogenetic location: 7q22.3.
Variant type: single nucleotide variant.
Coding change: c.2168C>G on transcript NM_021930.6 (MANE Select); coding-DNA position 2168, C replaced by G.
Protein change: p.Pro723Arg; replaces proline 723 with arginine.
Molecular consequence: missense variant. On other transcripts: non-coding transcript variant (1), intron variant (3).
Genome position (GRCh38, 1-based): chr7:105,565,630, C>G. VCF-style: chr7-105565630-C-G. GRCh37 (hg19) VCF-style: chr7-105206077-C-G.
Other names: c.1934C>G, p.Pro645Arg (NM_001346599.2); c.1145C>G, p.Pro382Arg (NM_001346600.2, NM_001346603.2); c.1244C>G, p.Pro415Arg (NM_001346601.2); c.360-183G>C (NM_001355531.2); c.384-183G>C (NM_001355526.2); c.384-15G>C (NM_001355530.2); short protein forms P382R, P723R, P415R, P645R.
Identifiers: ClinVar variation 1432040 (VCV001432040.11), dbSNP rs1358955017, ClinGen allele CA368815295.
Genomic context (GRCh38, chr7:105,565,630, plus strand): 5'-AGCTGCAGTTTGATATGACTCGGAATCTTTTCCCTTTGTTTTCTCACTATTGCAAGAGAC[C>G]AGAAAATTATTTTAAACAGTAAGCTCAACATTTAACAATTAATATTAATGTATCAAATTG-3'
Protein context (NP_068749.3, residues 713-733): FPLFSHYCKR[Pro723Arg]ENYFKHIKEA

ClinVar aggregate classification (germline): Uncertain significance. Review status: criteria provided, multiple submitters, no conflicts (2 of 4 stars). 2 submissions from 2 submitters: Uncertain significance (2). Last evaluated 2024-10-11.

Allele frequency attached by ClinVar (database versions not stated): gnomAD 0.00001; TOPMed 0.00001.
gnomAD v4.1: 2 of 1,605,386 alleles (0.00012%); highest among the groups gnomAD compares: Non-Finnish European, 0.00017%; no homozygotes.

Submissions (2):

Ambry Genetics
Classification: Uncertain significance. Last evaluated: 2024-10-11. Review status: criteria provided, single submitter. Criteria: Ambry Variant Classification Scheme 2023. Collection method: clinical testing. Allele origin: germline.
Comment: The p.P723R variant (also known as c.2168C>G), located in coding exon 14 of the RINT1 gene, results from a C to G substitution at nucleotide position 2168. The proline at codon 723 is replaced by arginine, an amino acid with dissimilar properties. This amino acid position is conserved. In addition, this alteration is predicted to be deleterious by in silico analysis. Since supporting evidence is limited at this time, the clinical significance of this alteration remains unclear.

Labcorp Genetics (formerly Invitae), Labcorp
Classification: Uncertain significance. Last evaluated: 2021-06-01. Review status: criteria provided, single submitter. Criteria: Invitae Variant Classification Sherloc (09022015). Collection method: clinical testing. Allele origin: germline.
Comment: In summary, the available evidence is currently insufficient to determine the role of this variant in disease. Therefore, it has been classified as a Variant of Uncertain Significance. Algorithms developed to predict the effect of missense changes on protein structure and function are either unavailable or do not agree on the potential impact of this missense change (SIFT: "Deleterious"; PolyPhen-2: "Probably Damaging"; Align-GVGD: "Class C0"). This variant has not been reported in the literature in individuals with RINT1-related conditions. This variant is not present in population databases (ExAC no frequency). This sequence change replaces proline with arginine at codon 723 of the RINT1 protein (p.Pro723Arg). The proline residue is highly conserved and there is a moderate physicochemical difference between proline and arginine.